The following is an entry in ClinVar:

NM_033380.3(COL4A5):c.4707-1G>A

Gene: COL4A5 (collagen type IV alpha 5 chain; plus strand). Cytogenetic location: Xq22.3.
Variant type: single nucleotide variant.
Coding change: c.4707-1G>A on transcript NM_033380.3 (MANE Select); the canonical splice acceptor site of the intron before coding-DNA position 4707, G replaced by A.
Molecular consequence: splice acceptor variant.
Genome position (GRCh38, 1-based): chrX:108,694,806, G>A. VCF-style: chrX-108694806-G-A. GRCh37 (hg19) VCF-style: chrX-107938036-G-A.
Other names: c.4689-1G>A (NM_000495.5).
Identifiers: ClinVar variation 1994581 (VCV001994581.6), dbSNP rs1556462917, ClinGen allele CA414132383.

ClinVar aggregate classification (germline): Likely pathogenic. Review status: criteria provided, multiple submitters, no conflicts (2 of 4 stars). 2 submissions from 2 submitters: Likely pathogenic (2). Last evaluated 2022-12-22.

Conditions:
X-linked Alport syndrome (ATS1). Also called: COL4A5-Related Nephropathy; NEPHROPATHY AND DEAFNESS, X-LINKED. Identifiers: Orphanet 63, Orphanet 88917, MedGen C4746986, MONDO:0010520, OMIM 301050.

Submissions (2):

Breakthrough Genomics
Classification: Likely pathogenic for X-linked Alport syndrome. Last evaluated: 2022-12-22. Review status: criteria provided, single submitter. Criteria: ACMG Guidelines, 2015. Collection method: clinical testing. Allele origin: germline. Affected: yes.
Comment: This intronic variant, c.4707-1G>A, lies in the essential splice acceptor site, in intron 50 of the COL4A5 gene. In silico splice prediction tools (ASSP and NNSPLICE) indicate that this variant will affect splicing due to the loss of constitutive splice site and introduction of a new splice site, which in turn might lead to a frameshift and consequent premature termination of the protein; this will likely result in loss-of-function. The variant seems to be novel, as it has not been previously reported in population or public databases or in the literature. However, a different variant at the same splice site, c.4707-1G>C has been reported as pathogenic in the ClinVar database, suggesting variants affecting this splice site will impact protein function.

Labcorp Genetics (formerly Invitae), Labcorp
Classification: Likely pathogenic. Last evaluated: 2022-05-15. Review status: criteria provided, single submitter. Criteria: Invitae Variant Classification Sherloc (09022015). Collection method: clinical testing. Allele origin: germline.
Comment: This sequence change affects an acceptor splice site in intron 48 of the COL4A5 gene. It is expected to disrupt RNA splicing. Variants that disrupt the donor or acceptor splice site typically lead to a loss of protein function (PMID: 16199547), and loss-of-function variants in COL4A5 are known to be pathogenic (PMID: 9195222, 10752524, 14514738, 24854265, 26809805). This variant is not present in population databases (gnomAD no frequency). Disruption of this splice site has been observed in individual(s) with Alport syndrome (Invitae). Algorithms developed to predict the effect of sequence changes on RNA splicing suggest that this variant may disrupt the consensus splice site. In summary, the currently available evidence indicates that the variant is pathogenic, but additional data are needed to prove that conclusively. Therefore, this variant has been classified as Likely Pathogenic.

Literature cited by the submitters: PubMed 16199547 (cited by Labcorp Genetics (formerly Invitae), Labcorp); PubMed 9195222 (cited by Labcorp Genetics (formerly Invitae), Labcorp); PubMed 10752524 (cited by Labcorp Genetics (formerly Invitae), Labcorp); PubMed 14514738 (cited by Labcorp Genetics (formerly Invitae), Labcorp); PubMed 24854265 (cited by Labcorp Genetics (formerly Invitae), Labcorp); PubMed 26809805 (cited by Labcorp Genetics (formerly Invitae), Labcorp).